The following is an entry in ClinVar:

ClinVar aggregate classification (germline): Uncertain significance. Review status: criteria provided, multiple submitters, no conflicts (2 of 4 stars). 6 submissions from 6 submitters: Uncertain significance (6). Last evaluated 2025-10-30.

Conditions:
Chédiak-Higashi syndrome (CHS). Also called: Chediak-Higashi Syndrome. Identifiers: Orphanet 167, MedGen C0007965, MONDO:0008963, OMIM 214500.

Allele frequency attached by ClinVar (database versions not stated): ExAC 0.00007; TOPMed 0.00011; gnomAD 0.00013; ESP Exome Variant Server 0.00015; gnomAD exomes 0.00016.
gnomAD v4.1: 249 of 1,613,822 alleles (0.015%); highest among the groups gnomAD compares: Non-Finnish European, 0.02%; no homozygotes.

Submissions (6):

Mayo Clinic Laboratories, Mayo Clinic
Classification: Uncertain significance. Last evaluated: 2025-10-30. Review status: criteria provided, single submitter. Criteria: ACMG Guidelines, 2015. Collection method: clinical testing. Allele origin: germline. Observed: 1 variant allele.
Comment: BP4_moderate

Greenwood Genetic Center Diagnostic Laboratories, Greenwood Genetic Center
Classification: Uncertain significance. Last evaluated: 2025-03-24. Review status: criteria provided, single submitter. Criteria: ACMG Guidelines, 2015. Collection method: clinical testing. Allele origin: germline.
Comment: PM2, BP4, PP2

Labcorp Genetics (formerly Invitae), Labcorp
Classification: Uncertain significance for Chédiak-Higashi syndrome. Last evaluated: 2024-10-25. Review status: criteria provided, single submitter. Criteria: Invitae Variant Classification Sherloc (09022015). Collection method: clinical testing. Allele origin: germline.
Comment: This sequence change replaces serine, which is neutral and polar, with asparagine, which is neutral and polar, at codon 1045 of the LYST protein (p.Ser1045Asn). This variant is present in population databases (rs369502347, gnomAD 0.02%). This variant has not been reported in the literature in individuals affected with LYST-related conditions. ClinVar contains an entry for this variant (Variation ID: 663391). An algorithm developed to predict the effect of missense changes on protein structure and function outputs the following: PolyPhen-2: "Benign". The asparagine amino acid residue is found in multiple mammalian species, which suggests that this missense change does not adversely affect protein function. In summary, the available evidence is currently insufficient to determine the role of this variant in disease. Therefore, it has been classified as a Variant of Uncertain Significance.

Blueprint Genetics
Classification: Uncertain significance. Last evaluated: 2024-08-29. Review status: criteria provided, single submitter. Criteria: ACMG Guidelines, 2015. Collection method: clinical testing. Allele origin: germline.

Department of Pathology and Laboratory Medicine, Sinai Health System
Classification: Uncertain significance for Chédiak-Higashi syndrome. Last evaluated: 2023-09-26. Review status: criteria provided, single submitter. Criteria: ACMG Guidelines, 2015. Collection method: research. Allele origin: germline.

Fulgent Genetics
Classification: Uncertain significance for Chédiak-Higashi syndrome. Last evaluated: 2021-09-10. Review status: criteria provided, single submitter. Criteria: ACMG Guidelines, 2015. Collection method: clinical testing. Allele origin: unknown.

NM_000081.4(LYST):c.3134G>A (p.Ser1045Asn)

Gene: LYST (lysosomal trafficking regulator; minus strand). Cytogenetic location: 1q42.3.
Variant type: single nucleotide variant.
Coding change: c.3134G>A on transcript NM_000081.4 (MANE Select); coding-DNA position 3134, G replaced by A.
Protein change: p.Ser1045Asn; replaces serine 1045 with asparagine.
Molecular consequence: missense variant.
Genome position (GRCh38, 1-based): chr1:235,806,002, C>T on the plus strand (G>A on the coding strand, the complement: LYST is on the minus strand). VCF-style: chr1-235806002-C-T. GRCh37 (hg19) VCF-style: chr1-235969302-C-T.
Other names: p.Ser1045Asn; c.3134G>A, p.Ser1045Asn (NM_001301365.1); short protein forms S1045N.
Identifiers: ClinVar variation 663391 (VCV000663391.11), dbSNP rs369502347, ClinGen allele CA1467135.